The following is an entry in ClinVar:

ClinVar aggregate classification (germline): Uncertain significance (1 of 4 stars; one submission).

Conditions:
Microcephaly 5, primary, autosomal recessive (MCPH5). Also called: ASPM Primary Microcephaly. Identifiers: Orphanet 2512, MedGen C1837501, MONDO:0012106, OMIM 608716.

Allele frequency attached by ClinVar (database versions not stated): gnomAD exomes 0.00001 and 0.00002; ExAC 0.00002; TOPMed 0.00002.
gnomAD v4.1: 20 of 1,611,150 alleles (0.0012%); highest among the groups gnomAD compares: Non-Finnish European, 0.0016%; no homozygotes.

Submission:

Victorian Clinical Genetics Services, Murdoch Childrens Research Institute
Classification: Uncertain significance for Microcephaly 5, primary, autosomal recessive. Last evaluated: 2022-02-02. Review status: criteria provided, single submitter. Criteria: ACMG Guidelines, 2015. Collection method: clinical testing. Allele origin: germline. Inheritance: Autosomal recessive inheritance.
Comment: Based on the classification scheme VCGS_Germline_v1.3.4, this variant is classified as VUS-3B. Following criteria are met: 0102 - Loss of function is a known mechanism of disease in this gene and is associated with microcephaly 5, primary (MIM#608716). (I) 0106 - This gene is associated with autosomal recessive disease. (I) 0212 - Non-canonical splice site variant without proven consequence on splicing (no functional evidence available). (SP) 0251 - This variant is heterozygous. (I) 0304 - Variant is present in gnomAD <0.01 for a recessive condition (v2: 4 heterozygotes, 0 homozygotes). (SP) 0506 - Abnormal splicing is not predicted, however the nucleotide is highly conserved. (I) 0705 - No comparable [variant type] variants have previous evidence for pathogenicity. (I) 0807 - This variant has no previous evidence of pathogenicity. (I) 0905 - No published segregation evidence has been identified for this variant. (I) 1007 - No published functional evidence has been identified for this variant. (I) 1208 - Inheritance information for this variant is not currently available in this individual. (I) Legend: (SP) - Supporting pathogenic, (I) - Information, (SB) - Supporting benign

NM_018136.5(ASPM):c.2629+3A>G

Gene: ASPM (assembly factor for spindle microtubules; minus strand). Cytogenetic location: 1q31.3.
Variant type: single nucleotide variant.
Coding change: c.2629+3A>G on transcript NM_018136.5 (MANE Select); 3 bases into the intron after coding-DNA position 2629, A replaced by G.
Molecular consequence: intron variant.
Genome position (GRCh38, 1-based): chr1:197,129,912, T>C on the plus strand (A>G on the coding strand, the complement: ASPM is on the minus strand). VCF-style: chr1-197129912-T-C. GRCh37 (hg19) VCF-style: chr1-197099042-T-C.
Other names: c.2629+3A>G (NM_001206846.2).
Identifiers: ClinVar variation 1698996 (VCV001698996.3), dbSNP rs758509567, ClinGen allele CA1310405.